The following is an entry in ClinVar:

NM_001113378.2(FANCI):c.2817G>T (p.Lys939Asn)

Gene: FANCI (FA complementation group I; plus strand). Cytogenetic location: 15q26.1.
Variant type: single nucleotide variant.
Coding change: c.2817G>T on transcript NM_001113378.2 (MANE Select); coding-DNA position 2817, G replaced by T.
Protein change: p.Lys939Asn; replaces lysine 939 with asparagine.
Molecular consequence: missense variant.
Genome position (GRCh38, 1-based): chr15:89,300,313, G>T. VCF-style: chr15-89300313-G-T. GRCh37 (hg19) VCF-style: chr15-89843544-G-T.
Other names: c.2538G>T, p.Lys846Asn (NM_001376910.1); c.2817G>T, p.Lys939Asn (NM_001376911.1); c.2637G>T, p.Lys879Asn (NM_018193.3); short protein forms K939N, K879N, K846N.
Identifiers: ClinVar variation 456210 (VCV000456210.41), dbSNP rs145192583, ClinGen allele CA7723477.

ClinVar aggregate classification (germline): Benign/Likely benign. Review status: criteria provided, multiple submitters, no conflicts (2 of 4 stars). 8 submissions from 8 submitters: Benign (4); Likely benign (3). 1 of the submissions does not count toward it. Last evaluated 2026-07-01.

Conditions:
FANCI-related disorder. Also called: FANCI-related condition.
Fanconi anemia (FA). Also called: Fanconi's anemia. Identifiers: Orphanet 84, MedGen C0015625, MeSH D005199, MONDO:0019391.
Fanconi anemia complementation group I (FANCI). Also called: FANCI-Related Fanconi Anemia. Identifiers: Orphanet 84, MedGen C1836861, MONDO:0012186, OMIM 609053.

Allele frequency attached by ClinVar (database versions not stated): gnomAD exomes 0.00016 and 0.00035; ExAC 0.00040; gnomAD 0.00139 and 0.00147; TOPMed 0.00160; ESP Exome Variant Server 0.00177; 1000 Genomes Project 30x 0.00187; 1000 Genomes Project 0.00200.
gnomAD v4.1: 450 of 1,613,730 alleles (0.028%); highest among the groups gnomAD compares: African/African-American, 0.44%; 1 homozygote.

Submissions (8):

CeGaT Center for Human Genetics Tuebingen
Classification: Likely benign. Last evaluated: 2026-07-01. Review status: criteria provided, single submitter. Criteria: CeGaT Center For Human Genetics Tuebingen Variant Classification Criteria Version 2. Collection method: clinical testing. Allele origin: germline. Affected: yes. Observed: 2 variant alleles.
Comment: FANCI: BP4

Labcorp Genetics (formerly Invitae), Labcorp
Classification: Benign for Fanconi anemia. Last evaluated: 2026-01-31. Review status: criteria provided, single submitter. Criteria: Invitae Variant Classification Sherloc (09022015). Collection method: clinical testing. Allele origin: germline.

KCCC/NGS Laboratory, Kuwait Cancer Control Center
Classification: Benign for Fanconi anemia complementation group I. Last evaluated: 2025-02-01. Review status: criteria provided, single submitter. Criteria: ACMG Guidelines, 2015. Collection method: clinical testing. Allele origin: germline. Affected: no.

Blueprint Genetics
Classification: Likely benign. Last evaluated: 2024-07-05. Review status: criteria provided, single submitter. Criteria: ACMG Guidelines, 2015. Collection method: clinical testing. Allele origin: germline.

Center for Genomics, Ann and Robert H. Lurie Children's Hospital of Chicago
Classification: Benign for Fanconi anemia complementation group I. Last evaluated: 2022-05-11. Review status: criteria provided, single submitter. Criteria: ACMG Guidelines, 2015. Collection method: clinical testing. Allele origin: germline.
Comment: This variant has not been reported in the literature but is present in the Genome Aggregation Database (Highest MAF: 0.5% [190/41448] and 1 homozygote). This variant is present in ClinVar, with multiple laboratories classifying it as benign (Variation ID:456210). Evolutionary conservation and computational predictive tools suggest that this variant may not impact the protein. In summary, data on this variant suggests that this variant does not cause disease but requires further evidence. Therefore, this variant is classified as likely benign.

Sema4
Classification: Likely benign for Fanconi anemia. Last evaluated: 2021-06-30. Review status: criteria provided, single submitter. Criteria: Sema4 Curation Guidelines. Collection method: curation. Allele origin: germline.

Women's Health and Genetics/Laboratory Corporation of America, LabCorp
Classification: Benign. Last evaluated: 2019-12-12. Review status: criteria provided, single submitter. Criteria: LabCorp Variant Classification Summary - May 2015. Collection method: clinical testing. Allele origin: germline.
Comment: Variant summary: FANCI c.2817G>T (p.Lys939Asn) results in a non-conservative amino acid change located in the FANCI solenoid 3 domain (IPR029313) of the encoded protein sequence. Four of five in-silico tools predict a benign effect of the variant on protein function. The variant allele was found at a frequency of 0.00035 in 251414 control chromosomes, predominantly at a frequency of 0.0039 within the African or African-American subpopulation in the gnomAD database, including 1 homozygote. The observed variant frequency within African or African-American control individuals in the gnomAD database is approximately 14 fold of the estimated maximal expected allele frequency for a pathogenic variant in FANCI causing Fanconi anemia phenotype (0.00028), strongly suggesting that the variant is a benign polymorphism found primarily in populations of African or African-American origin. To our knowledge, no occurrence of c.2817G>T in individuals affected with Fanconi anemia, complementation group I and no experimental evidence demonstrating its impact on protein function have been reported. One ClinVar submitter (evaluation after 2014) cites the variant as benign. Based on the evidence outlined above, the variant was classified as benign.

PreventionGenetics, part of Exact Sciences
Classification: Likely benign for FANCI-related condition. Last evaluated: 2020-10-28. Review status: no assertion criteria provided. Collection method: clinical testing. Allele origin: germline. Not counted in ClinVar's aggregate classification.
Comment: This variant is classified as likely benign based on ACMG/AMP sequence variant interpretation guidelines (Richards et al. 2015 PMID: 25741868, with internal and published modifications).